The following is an entry in ClinVar:

ClinVar aggregate classification (germline): Uncertain significance (1 of 4 stars; one submission).

Allele frequency attached by ClinVar (database versions not stated): gnomAD exomes below 0.00001; ExAC 0.00001.
gnomAD v4.1: 3 of 1,613,806 alleles (0.00019%); highest among the groups gnomAD compares: East Asian, 0.0067%; no homozygotes.

Submission:

Labcorp Genetics (formerly Invitae), Labcorp
Classification: Uncertain significance. Last evaluated: 2026-01-12. Review status: criteria provided, single submitter. Criteria: Invitae Variant Classification Sherloc (09022015). Collection method: clinical testing. Allele origin: germline.
Comment: This sequence change replaces leucine, which is neutral and non-polar, with isoleucine, which is neutral and non-polar, at codon 2294 of the PCLO protein (p.Leu2294Ile). This variant is not present in population databases (gnomAD no frequency). This variant has not been reported in the literature in individuals affected with PCLO-related conditions. ClinVar contains an entry for this variant (Variation ID: 1390730). Experimental studies and prediction algorithms are not available or were not evaluated, and the functional significance of this variant is currently unknown. In summary, the available evidence is currently insufficient to determine the role of this variant in disease. Therefore, it has been classified as a Variant of Uncertain Significance.

NM_033026.6(PCLO):c.6880C>A (p.Leu2294Ile)

Gene: PCLO (piccolo presynaptic cytomatrix protein; minus strand). Cytogenetic location: 7q21.11.
Variant type: single nucleotide variant.
Coding change: c.6880C>A on transcript NM_033026.6 (MANE Select); coding-DNA position 6880, C replaced by A.
Protein change: p.Leu2294Ile; replaces leucine 2294 with isoleucine.
Molecular consequence: missense variant.
Genome position (GRCh38, 1-based): chr7:82,954,073, G>T on the plus strand (C>A on the coding strand, the complement: PCLO is on the minus strand). VCF-style: chr7-82954073-G-T. GRCh37 (hg19) VCF-style: chr7-82583389-G-T.
Other names: c.6880C>A, p.Leu2294Ile (NM_014510.3); short protein forms L2294I.
Identifiers: ClinVar variation 1390730 (VCV001390730.6), dbSNP rs771385350, ClinGen allele CA4320394.